The following is an entry in ClinVar:

ClinVar aggregate classification (germline): Benign/Likely benign. Review status: criteria provided, multiple submitters, no conflicts (2 of 4 stars). 4 submissions from 4 submitters: Benign (1); Likely benign (3). Last evaluated 2024-04-18.

Conditions:
Marfan syndrome (MFS). Also called: MARFAN SYNDROME, TYPE I; Marfan syndrome type 1; Marfan's syndrome; Marfan syndrome, classic; FBN1-Related Marfan Syndrome. Identifiers: Orphanet 284963, Orphanet 558, MedGen C0024796, MONDO:0007947, OMIM 154700.
Familial thoracic aortic aneurysm and aortic dissection (TAAD). Also called: Thoracic aortic aneurysms and dissections. Identifiers: Orphanet 91387, MedGen C4707243, MONDO:0019625.

Allele frequency attached by ClinVar (database versions not stated): gnomAD 0.00001; TOPMed 0.00001.
gnomAD v4.1: 1 of 1,613,536 alleles (0.000062%); highest among the groups gnomAD compares: African/African-American, 0.0013%; no homozygotes.

Submissions (4):

Ambry Genetics
Classification: Likely benign for Familial thoracic aortic aneurysm and aortic dissection. Last evaluated: 2024-04-18. Review status: criteria provided, single submitter. Criteria: Ambry Variant Classification Scheme 2023. Collection method: clinical testing. Allele origin: germline.

Labcorp Genetics (formerly Invitae), Labcorp
Classification: Benign for Marfan syndrome; Familial thoracic aortic aneurysm and aortic dissection. Last evaluated: 2024-01-08. Review status: criteria provided, single submitter. Criteria: Invitae Variant Classification Sherloc (09022015). Collection method: clinical testing. Allele origin: germline.

All of Us Research Program, National Institutes of Health
Classification: Likely benign for Marfan syndrome. Last evaluated: 2023-08-15. Review status: criteria provided, single submitter. Criteria: ACMG Guidelines, 2015. Collection method: clinical testing. Allele origin: germline. Inheritance: Autosomal dominant inheritance. Observed: 1 variant allele, 1 heterozygote.
Comment: This study involves interpretation of variants in research participants for the purpose of population health screening. Participant phenotype was not available at the time of variant classification. Additional details can be found in publication PMID: 35346344, PMCID: PMC8962531

Color Diagnostics, LLC DBA Color Health
Classification: Likely benign for Familial thoracic aortic aneurysm and aortic dissection. Last evaluated: 2023-07-26. Review status: criteria provided, single submitter. Criteria: ACMG Guidelines, 2015. Collection method: clinical testing. Allele origin: germline.

NM_000138.5(FBN1):c.5259A>G (p.Pro1753=)

Gene: FBN1 (fibrillin 1; minus strand). Cytogenetic location: 15q21.1.
Variant type: single nucleotide variant.
Coding change: c.5259A>G on transcript NM_000138.5 (MANE Select); coding-DNA position 5259, A replaced by G.
Protein change: p.Pro1753=; no amino-acid change (proline 1753 retained).
Molecular consequence: synonymous variant.
Genome position (GRCh38, 1-based): chr15:48,460,283, T>C on the plus strand (A>G on the coding strand, the complement: FBN1 is on the minus strand). VCF-style: chr15-48460283-T-C. GRCh37 (hg19) VCF-style: chr15-48752480-T-C.
Other names: c.5259A>G, p.Pro1753= (NM_001406716.1).
Identifiers: ClinVar variation 2926156 (VCV002926156.6), dbSNP rs1227515373, ClinGen allele CA490024132.
Genomic context (GRCh38, chr15:48,460,283, plus strand): 5'-CTGACAATGCCGTCATGACTCACCAACGGGTAAACCGGTATAAATGTCGATGACAAAGCC[T>C]GGCCTTTGACTTCCACAGAGTGTAGCAAACTCATCTGCAATGATTAAACAAAGGTGGGAT-3'
Protein context (NP_000129.3, residues 1743-1763): EFATLCGSQR[Pro1753=]GFVIDIYTGL